The following is an entry in ClinVar:

NM_003072.5(SMARCA4):c.860G>A (p.Gly287Glu)

Gene: SMARCA4 (SWI/SNF related BAF chromatin remodeling complex subunit ATPase 4; plus strand). Cytogenetic location: 19p13.2.
Variant type: single nucleotide variant.
Coding change: c.860G>A on transcript NM_003072.5 (MANE Select); coding-DNA position 860, G replaced by A.
Protein change: p.Gly287Glu; replaces glycine 287 with glutamic acid.
Molecular consequence: missense variant. On other transcripts: non-coding transcript variant (1).
Genome position (GRCh38, 1-based): chr19:10,987,666, G>A. VCF-style: chr19-10987666-G-A. GRCh37 (hg19) VCF-style: chr19-11098342-G-A.
Other names: c.860G>A (NM_001128849.1); c.860G>A, p.Gly287Glu (NM_001128844.3, NM_001128845.2, NM_001128846.2 and 4 more transcripts); short protein forms G287E.
Identifiers: ClinVar variation 1004023 (VCV001004023.9), dbSNP rs2086175577, ClinGen allele CA404058282.

ClinVar aggregate classification (germline): Uncertain significance. Review status: criteria provided, multiple submitters, no conflicts (2 of 4 stars). 2 submissions from 2 submitters: Uncertain significance (2). Last evaluated 2025-06-09.

Conditions:
Hereditary cancer-predisposing syndrome. Also called: Hereditary neoplastic syndrome; Neoplastic Syndromes, Hereditary; Tumor predisposition; Hereditary Cancer Syndrome. Identifiers: Orphanet 140162, MedGen C0027672, MeSH D009386, MONDO:0015356.
Rhabdoid tumor predisposition syndrome 2 (RTPS2). Identifiers: Orphanet 231108, Orphanet 69077, MedGen C2750074, MONDO:0013224, OMIM 613325.

Submissions (2):

Ambry Genetics
Classification: Uncertain significance for Hereditary cancer-predisposing syndrome. Last evaluated: 2025-06-09. Review status: criteria provided, single submitter. Criteria: Ambry Variant Classification Scheme 2023. Collection method: clinical testing. Allele origin: germline.
Comment: The p.G287E variant (also known as c.860G>A) is located in coding exon 5 of the SMARCA4 gene. The glycine at codon 287 is replaced by glutamic acid, an amino acid with similar properties. This change occurs in the first base pair of coding exon 5. This amino acid position is conserved. In addition, this alteration is predicted to be deleterious by in silico analysis. Based on the available evidence, the clinical significance of this variant remains unclear.

Labcorp Genetics (formerly Invitae), Labcorp
Classification: Uncertain significance for Rhabdoid tumor predisposition syndrome 2. Last evaluated: 2020-03-22. Review status: criteria provided, single submitter. Criteria: Invitae Variant Classification Sherloc (09022015). Collection method: clinical testing. Allele origin: germline.
Comment: This variant has not been reported in the literature in individuals with SMARCA4-related conditions. This variant is not present in population databases (ExAC no frequency). This sequence change replaces glycine with glutamic acid at codon 287 of the SMARCA4 protein (p.Gly287Glu). The glycine residue is highly conserved and there is a moderate physicochemical difference between glycine and glutamic acid. In summary, the available evidence is currently insufficient to determine the role of this variant in disease. Therefore, it has been classified as a Variant of Uncertain Significance. Algorithms developed to predict the effect of missense changes on protein structure and function (SIFT, PolyPhen-2, Align-GVGD) all suggest that this variant is likely to be disruptive, but these predictions have not been confirmed by published functional studies and their clinical significance is uncertain.